The following is an entry in ClinVar:

NM_001161.5(NUDT2):c.282G>A (p.Trp94Ter)

Gene: NUDT2 (nudix hydrolase 2; plus strand). Cytogenetic location: 9p13.3.
Variant type: single nucleotide variant.
Coding change: c.282G>A on transcript NM_001161.5 (MANE Select); coding-DNA position 282, G replaced by A.
Protein change: p.Trp94Ter; replaces tryptophan 94 with a stop codon.
Molecular consequence: nonsense.
Genome position (GRCh38, 1-based): chr9:34,343,278, G>A. VCF-style: chr9-34343278-G-A. GRCh37 (hg19) VCF-style: chr9-34343276-G-A.
Other names: c.282G>A, p.Trp94Ter (NM_001244390.2, NM_147172.3, NM_147173.3); short protein forms W94*.
Identifiers: ClinVar variation 4848516 (VCV004848516.1).
Genomic context (GRCh38, chr9:34,343,278, plus strand): 5'-GGGGTTCAAAAGGGAACTCAATTATGTGGCCAGGAACAAGCCTAAAACAGTCATTTACTG[G>A]CTGGCGGAGGTGAAGGACTATGACGTGGAGATCCGCCTCTCCCATGAGCACCAAGCCTAC-3'

ClinVar aggregate classification (germline): Uncertain significance (1 of 4 stars; one submission).

gnomAD v4.1: 32 of 1,611,960 alleles (0.002%); highest among the groups gnomAD compares: Non-Finnish European, 0.0027%; no homozygotes.

Submission:

Women's Health and Genetics/Laboratory Corporation of America, LabCorp
Classification: Uncertain significance. Last evaluated: 2026-04-15. Review status: criteria provided, single submitter. Criteria: LabCorp Variant Classification Summary - May 2015. Collection method: clinical testing. Allele origin: germline.
Comment: Variant summary: NUDT2 c.282G>A (p.Trp94X) results in a premature termination codon, predicted to cause a truncation of the encoded protein or absence of the protein due to nonsense mediated decay, however current evidence is not sufficient to establish loss of function as a mechanism for disease. The variant allele was found at a frequency of 1.2e-05 in 251394 control chromosomes. The available data on variant occurrences in the general population are insufficient to allow any conclusion about variant significance. To our knowledge, no occurrence of c.282G>A in individuals affected with NUDT2-related conditions and no experimental evidence demonstrating its impact on protein function have been reported. No submitters have cited clinical-significance assessments for this variant to ClinVar. Based on the evidence outlined above, the variant was classified as uncertain significance.